The following is an entry in ClinVar:

NM_000426.4(LAMA2):c.2358T>A (p.Asp786Glu)

Gene: LAMA2 (laminin subunit alpha 2; plus strand). Cytogenetic location: 6q22.33.
Variant type: single nucleotide variant.
Coding change: c.2358T>A on transcript NM_000426.4 (MANE Select); coding-DNA position 2358, T replaced by A.
Protein change: p.Asp786Glu; replaces aspartic acid 786 with glutamic acid.
Molecular consequence: missense variant.
Genome position (GRCh38, 1-based): chr6:129,270,659, T>A. VCF-style: chr6-129270659-T-A. GRCh37 (hg19) VCF-style: chr6-129591804-T-A.
Other names: c.2358T>A, p.Asp786Glu (NM_001079823.2); short protein forms D786E.
Identifiers: ClinVar variation 906895 (VCV000906895.9), dbSNP rs766979256, ClinGen allele CA3992916.

ClinVar aggregate classification (germline): Uncertain significance. Review status: criteria provided, multiple submitters, no conflicts (2 of 4 stars). 2 submissions from 2 submitters: Uncertain significance (2). Last evaluated 2021-09-01.

Conditions:
LAMA2-related muscular dystrophy (LAMA2-RD). Also called: Laminin alpha 2-related dystrophy. Identifiers: MedGen C5679788, MONDO:0100228.
Congenital muscular dystrophy due to partial LAMA2 deficiency. Identifiers: MedGen C1842898.

Allele frequency attached by ClinVar (database versions not stated): TOPMed below 0.00001; ExAC 0.00001; gnomAD 0.00001; gnomAD exomes 0.00001.
gnomAD v4.1: 14 of 1,613,018 alleles (0.00087%); highest among the groups gnomAD compares: African/African-American, 0.0013%; no homozygotes.

Submissions (2):

Labcorp Genetics (formerly Invitae), Labcorp
Classification: Uncertain significance for LAMA2-related muscular dystrophy. Last evaluated: 2021-09-01. Review status: criteria provided, single submitter. Criteria: Invitae Variant Classification Sherloc (09022015). Collection method: clinical testing. Allele origin: germline.
Comment: This sequence change replaces aspartic acid with glutamic acid at codon 786 of the LAMA2 protein (p.Asp786Glu). The aspartic acid residue is weakly conserved and there is a small physicochemical difference between aspartic acid and glutamic acid. This variant is present in population databases (rs766979256, ExAC 0.002%). This variant has not been reported in the literature in individuals affected with LAMA2-related conditions. Algorithms developed to predict the effect of missense changes on protein structure and function (SIFT, PolyPhen-2, Align-GVGD) all suggest that this variant is likely to be tolerated. In summary, the available evidence is currently insufficient to determine the role of this variant in disease. Therefore, it has been classified as a Variant of Uncertain Significance.

Illumina Laboratory Services, Illumina
Classification: Uncertain significance for Congenital muscular dystrophy due to partial LAMA2 deficiency. Last evaluated: 2018-01-13. Review status: criteria provided, single submitter. Criteria: ICSL Variant Classification Criteria 13 December 2019. Collection method: clinical testing. Allele origin: germline.